The following is an entry in ClinVar:

ClinVar aggregate classification (germline): Uncertain significance (1 of 4 stars; one submission).

Allele frequency attached by ClinVar (database versions not stated): gnomAD exomes below 0.00001.
gnomAD v4.1: 2 of 1,546,196 alleles (0.00013%); highest among the groups gnomAD compares: Non-Finnish European, 0.00017%; no homozygotes.

Submission:

Labcorp Genetics (formerly Invitae), Labcorp
Classification: Uncertain significance. Last evaluated: 2022-09-28. Review status: criteria provided, single submitter. Criteria: Invitae Variant Classification Sherloc (09022015). Collection method: clinical testing. Allele origin: germline.
Comment: This variant has not been reported in the literature in individuals affected with RELA-related conditions. In summary, the available evidence is currently insufficient to determine the role of this variant in disease. Therefore, it has been classified as a Variant of Uncertain Significance. Algorithms developed to predict the effect of missense changes on protein structure and function are either unavailable or do not agree on the potential impact of this missense change (SIFT: "Tolerated"; PolyPhen-2: "Possibly Damaging"; Align-GVGD: "Class C0"). This variant is not present in population databases (gnomAD no frequency). This sequence change replaces aspartic acid, which is acidic and polar, with alanine, which is neutral and non-polar, at codon 449 of the RELA protein (p.Asp449Ala).

NM_021975.4(RELA):c.1346A>C (p.Asp449Ala)

Gene: RELA (RELA proto-oncogene, NF-kB subunit; minus strand). Cytogenetic location: 11q13.1.
Variant type: single nucleotide variant.
Coding change: c.1346A>C on transcript NM_021975.4 (MANE Select); coding-DNA position 1346, A replaced by C.
Protein change: p.Asp449Ala; replaces aspartic acid 449 with alanine.
Molecular consequence: missense variant. On other transcripts: intron variant (1).
Genome position (GRCh38, 1-based): chr11:65,654,688, T>G on the plus strand (A>C on the coding strand, the complement: RELA is on the minus strand). VCF-style: chr11-65654688-T-G. GRCh37 (hg19) VCF-style: chr11-65422159-T-G.
Other names: c.965A>C, p.Asp322Ala (NM_001404661.1); c.1253A>C, p.Asp418Ala (NM_001404662.1, NM_001404663.1); c.1215+131A>C (NM_001243985.2); c.1337A>C, p.Asp446Ala (NM_001145138.2); c.1139A>C, p.Asp380Ala (NM_001243984.2); c.1379A>C, p.Asp460Ala (NM_001404657.1); c.1319A>C, p.Asp440Ala (NM_001404658.1); c.1133A>C, p.Asp378Ala (NM_001404659.1); and 1 more; short protein forms D322A, D343A, D378A, D380A, D418A, D440A, D446A, D449A.
Identifiers: ClinVar variation 1720630 (VCV001720630.6), dbSNP rs2496825253, ClinGen allele CA381387241.
Genomic context (GRCh38, chr11:65,654,688, plus strand): 5'-ACGGATGCCAGGTCTGTGAACACAGCTGGGTCTGTGCTGTTGCCAAGCAAGGCCCCCAGG[T>G]CTTCATCATCAAACTGCAGCTGCAGCAGGGCCTCTGACAGCGTTCCTTCCCCAGCCTGGG-3'
Protein context (NP_068810.3, residues 439-459): ALLQLQFDDE[Asp449Ala]LGALLGNSTD